The following is an entry in ClinVar:

ClinVar aggregate classification (germline): Benign/Likely benign. Review status: criteria provided, multiple submitters, no conflicts (2 of 4 stars). 6 submissions from 6 submitters: Benign (4); Likely benign (2). Last evaluated 2026-07-01.

Allele frequency attached by ClinVar (database versions not stated): 1000 Genomes Project 30x 0.00047; 1000 Genomes Project 0.00060; ExAC 0.00121; gnomAD exomes 0.00127 and 0.00237; TOPMed 0.00146; gnomAD 0.00148 and 0.00149; ESP Exome Variant Server 0.00204.

Submissions (6):

CeGaT Center for Human Genetics Tuebingen
Classification: Likely benign. Last evaluated: 2026-07-01. Review status: criteria provided, single submitter. Criteria: CeGaT Center For Human Genetics Tuebingen Variant Classification Criteria Version 2. Collection method: clinical testing. Allele origin: germline. Affected: yes. Observed: 13 variant alleles.
Comment: CACNA1G: BP4, BP7, BS1

Labcorp Genetics (formerly Invitae), Labcorp
Classification: Benign. Last evaluated: 2026-01-19. Review status: criteria provided, single submitter. Criteria: Invitae Variant Classification Sherloc (09022015). Collection method: clinical testing. Allele origin: germline.

Blueprint Genetics
Classification: Likely benign. Last evaluated: 2024-11-01. Review status: criteria provided, single submitter. Criteria: ACMG Guidelines, 2015. Collection method: clinical testing. Allele origin: germline.

Mayo Clinic Laboratories, Mayo Clinic
Classification: Benign. Last evaluated: 2024-05-31. Review status: criteria provided, single submitter. Criteria: ACMG Guidelines, 2015. Collection method: clinical testing. Allele origin: germline. Observed: 4 variant alleles.
Comment: BS1, BS2, BP4, BP7

GeneDx
Classification: Benign. Last evaluated: 2021-08-13. Review status: criteria provided, single submitter. Criteria: GeneDx Variant Classification Process June 2021. Collection method: clinical testing. Allele origin: germline. Affected: yes.

Breakthrough Genomics
Classification: Benign. Review status: criteria provided, single submitter. Criteria: ACMG Guidelines, 2015. Collection method: not provided. Allele origin: germline. Inheritance: Autosomal dominant inheritance. Affected: yes.

NM_018896.5(CACNA1G):c.2001C>T (p.Cys667=)

Gene: CACNA1G (calcium voltage-gated channel subunit alpha1 G; plus strand). Cytogenetic location: 17q21.33.
Variant type: single nucleotide variant.
Coding change: c.2001C>T on transcript NM_018896.5 (MANE Select); coding-DNA position 2001, C replaced by T.
Protein change: p.Cys667=; no amino-acid change (cysteine 667 retained).
Molecular consequence: synonymous variant. On other transcripts: non-coding transcript variant (5).
Genome position (GRCh38, 1-based): chr17:50,578,264, C>T. VCF-style: chr17-50578264-C-T. GRCh37 (hg19) VCF-style: chr17-48655625-C-T.
Other names: p.Cys667=; c.2001C>T, p.Cys667= (NM_001256324.2, NM_001256325.2, NM_001256326.2 and 24 more transcripts).
Identifiers: ClinVar variation 713670 (VCV000713670.38), dbSNP rs58207445, ClinGen allele CA8652295.